The following is an entry in ClinVar:

NM_002711.4(PPP1R3A):c.3044A>G (p.Asn1015Ser)

Gene: PPP1R3A (protein phosphatase 1 regulatory subunit 3A; minus strand). Cytogenetic location: 7q31.1.
Variant type: single nucleotide variant.
Coding change: c.3044A>G on transcript NM_002711.4 (MANE Select); coding-DNA position 3044, A replaced by G.
Protein change: p.Asn1015Ser; replaces asparagine 1015 with serine.
Molecular consequence: missense variant.
Genome position (GRCh38, 1-based): chr7:113,878,048, T>C on the plus strand (A>G on the coding strand, the complement: PPP1R3A is on the minus strand). VCF-style: chr7-113878048-T-C. GRCh37 (hg19) VCF-style: chr7-113518103-T-C.
Other names: short protein forms N1015S.
Identifiers: ClinVar variation 393400 (VCV000393400.5), dbSNP rs149701175, ClinGen allele CA4444969.

ClinVar aggregate classification (germline): Benign/Likely benign. Review status: criteria provided, multiple submitters, no conflicts (2 of 4 stars). 3 submissions from 3 submitters: Benign (2); Likely benign (1). Last evaluated 2024-11-25.

Conditions:
Monogenic diabetes. Identifiers: Orphanet 183625, MedGen C3888631, MONDO:0015967.

Allele frequency attached by ClinVar (database versions not stated): gnomAD exomes 0.00194; ExAC 0.00243; gnomAD 0.00744 and 0.00793; TOPMed 0.00765; ESP Exome Variant Server 0.00777; 1000 Genomes Project 30x 0.00843; 1000 Genomes Project 0.00879.
gnomAD v4.1: 2,182 of 1,613,348 alleles (0.14%); highest among the groups gnomAD compares: African/African-American, 2.5%; 27 homozygotes.

Submissions (3):

Blueprint Genetics
Classification: Likely benign. Last evaluated: 2024-11-25. Review status: criteria provided, single submitter. Criteria: ACMG Guidelines, 2015. Collection method: clinical testing. Allele origin: germline.

Personalized Diabetes Medicine Program, University of Maryland School of Medicine
Classification: Benign for Monogenic diabetes. Last evaluated: 2018-12-21. Review status: criteria provided, single submitter. Criteria: ACMG Guidelines, 2015. Collection method: research. Allele origin: unknown. Observed: 3 variant alleles, 3 heterozygotes.
Comment: ACMG criteria: BS2 (74 cases and 66 controls in T2DM), BA1 (2.6% MAF in gnomAD African)= benign; 4 homozygous in ExAC (REVEL 0.204 + 9 BP4 predictors: conflicting evidence, not using)

Breakthrough Genomics
Classification: Benign. Review status: criteria provided, single submitter. Criteria: ACMG Guidelines, 2015. Collection method: not provided. Allele origin: germline. Inheritance: Autosomal dominant inheritance. Affected: yes.